The following is an entry in ClinVar:

ClinVar aggregate classification (germline): Uncertain significance. Review status: criteria provided, multiple submitters, no conflicts (2 of 4 stars). 2 submissions from 2 submitters: Uncertain significance (2). Last evaluated 2023-07-25.

Allele frequency attached by ClinVar (database versions not stated): ExAC 0.00002; gnomAD 0.00003; TOPMed 0.00003; gnomAD exomes 0.00007.
gnomAD v4.1: 102 of 1,614,098 alleles (0.0063%); highest among the groups gnomAD compares: Admixed American, 0.0083%; no homozygotes.

Submissions (2):

Labcorp Genetics (formerly Invitae), Labcorp
Classification: Uncertain significance. Last evaluated: 2023-07-25. Review status: criteria provided, single submitter. Criteria: Invitae Variant Classification Sherloc (09022015). Collection method: clinical testing. Allele origin: germline.
Comment: ClinVar contains an entry for this variant (Variation ID: 2476466). This sequence change replaces serine, which is neutral and polar, with leucine, which is neutral and non-polar, at codon 214 of the KRT74 protein (p.Ser214Leu). This variant is present in population databases (rs766296392, gnomAD 0.01%). This variant has not been reported in the literature in individuals affected with KRT74-related conditions. Advanced modeling of protein sequence and biophysical properties (such as structural, functional, and spatial information, amino acid conservation, physicochemical variation, residue mobility, and thermodynamic stability) performed at Invitae indicates that this missense variant is not expected to disrupt KRT74 protein function. In summary, the available evidence is currently insufficient to determine the role of this variant in disease. Therefore, it has been classified as a Variant of Uncertain Significance.

Ambry Genetics
Classification: Uncertain significance. Last evaluated: 2023-01-18. Review status: criteria provided, single submitter. Criteria: Ambry Variant Classification Scheme 2023. Collection method: clinical testing. Allele origin: germline.

NM_175053.4(KRT74):c.641C>T (p.Ser214Leu)

Gene: KRT74 (keratin 74; minus strand). Cytogenetic location: 12q13.13.
Variant type: single nucleotide variant.
Coding change: c.641C>T on transcript NM_175053.4 (MANE Select); coding-DNA position 641, C replaced by T.
Protein change: p.Ser214Leu; replaces serine 214 with leucine.
Molecular consequence: missense variant.
Genome position (GRCh38, 1-based): chr12:52,572,498, G>A on the plus strand (C>T on the coding strand, the complement: KRT74 is on the minus strand). VCF-style: chr12-52572498-G-A. GRCh37 (hg19) VCF-style: chr12-52966282-G-A.
Other names: short protein forms S214L.
Identifiers: ClinVar variation 2476466 (VCV002476466.5), dbSNP rs766296392, ClinGen allele CA6584038.